The following is an entry in ClinVar:

NM_004068.4(AP2M1):c.*9A>T

Gene: AP2M1 (adaptor related protein complex 2 subunit mu 1; plus strand). Cytogenetic location: 3q27.1.
Variant type: single nucleotide variant.
Coding change: c.*9A>T on transcript NM_004068.4 (MANE Select); 9 bases downstream of the stop codon, A replaced by T.
Molecular consequence: 3 prime UTR variant.
Genome position (GRCh38, 1-based): chr3:184,183,625, A>T. VCF-style: chr3-184183625-A-T. GRCh37 (hg19) VCF-style: chr3-183901413-A-T.
Other names: c.*9A>T (NM_001025205.2, NM_001311198.2).
Identifiers: ClinVar variation 4987704 (VCV004987704.1).

ClinVar aggregate classification (germline): Likely benign (1 of 4 stars; one submission).

Conditions:
AP2M1-related disorder. Also called: AP2M1-related condition.

Submission:

PreventionGenetics, part of Exact Sciences
Classification: Likely benign for AP2M1-related condition. Last evaluated: 2026-07-09. Review status: criteria provided, single submitter. Criteria: ACMG Guidelines, 2015. Collection method: clinical testing. Allele origin: germline.
Comment: This variant is classified as likely benign based on ACMG/AMP sequence variant interpretation guidelines (Richards et al. 2015 PMID: 25741868, with internal and published modifications).